The following is an entry in ClinVar:

NM_173494.2(DNAAF6):c.590_598del (p.Thr197_Glu199del)

Gene: DNAAF6 (dynein axonemal assembly factor 6; plus strand). Cytogenetic location: Xq22.3.
Variant type: Deletion.
Coding change: c.590_598del on transcript NM_173494.2 (MANE Select); coding-DNA positions 590 to 598, 9 bases deleted (CTCTTGAAA; older notation c.590_598delCTCTTGAAA).
Protein change: p.Thr197_Glu199del.
Molecular consequence: inframe deletion.
Genome position (GRCh38, 1-based): chrX:107,243,243-107,243,251, CTCTTGAAA deleted; deleting any 9 consecutive bases within chrX:107,243,238-107,243,251 gives the same sequence; the c. name uses the placement nearest the transcript's 3' end. VCF-style (leftmost placement, unchanged base first): chrX-107243237-CTGAAACTCT-C. GRCh37 (hg19) VCF-style: chrX-106486467-CTGAAACTCT-C.
Other names: c.590_598del, p.Thr197_Glu199del (NM_001169154.2).
Identifiers: ClinVar variation 1683174 (VCV001683174.8), dbSNP rs2147840048, ClinGen allele CA2573159155.

ClinVar aggregate classification (germline): Uncertain significance (1 of 4 stars; one submission).

Submission:

Labcorp Genetics (formerly Invitae), Labcorp
Classification: Uncertain significance. Last evaluated: 2025-06-09. Review status: criteria provided, single submitter. Criteria: Invitae Variant Classification Sherloc (09022015). Collection method: clinical testing. Allele origin: germline.
Comment: This variant, c.590_598del, results in the deletion of 3 amino acid(s) of the PIH1D3 protein (p.Thr197_Glu199del), but otherwise preserves the integrity of the reading frame. This variant is not present in population databases (gnomAD no frequency). This variant has been observed in individual(s) with clinical features of primary ciliary dyskinesia (internal data). ClinVar contains an entry for this variant (Variation ID: 1683174). Experimental studies and prediction algorithms are not available or were not evaluated, and the functional significance of this variant is currently unknown. In summary, the available evidence is currently insufficient to determine the role of this variant in disease. Therefore, it has been classified as a Variant of Uncertain Significance.